The following is an entry in ClinVar:

NM_001854.4(COL11A1):c.2470G>A (p.Asp824Asn)

Gene: COL11A1 (collagen type XI alpha 1 chain; minus strand). Cytogenetic location: 1p21.1.
Variant type: single nucleotide variant.
Coding change: c.2470G>A on transcript NM_001854.4 (MANE Select); coding-DNA position 2470, G replaced by A.
Protein change: p.Asp824Asn; replaces aspartic acid 824 with asparagine.
Molecular consequence: missense variant. On other transcripts: non-coding transcript variant (1).
Genome position (GRCh38, 1-based): chr1:102,987,665, C>T on the plus strand (G>A on the coding strand, the complement: COL11A1 is on the minus strand). VCF-style: chr1-102987665-C-T. GRCh37 (hg19) VCF-style: chr1-103453221-C-T.
Other names: c.2353G>A, p.Asp785Asn (NM_001190709.2); c.2506G>A, p.Asp836Asn (NM_080629.3); c.2122G>A, p.Asp708Asn (NM_080630.4); short protein forms D824N, D836N, D785N, D708N.
Identifiers: ClinVar variation 423863 (VCV000423863.4), dbSNP rs1064796668, ClinGen allele CA16616952.

ClinVar aggregate classification (germline): Uncertain significance (1 of 4 stars; one submission).

Submission:

GeneDx
Classification: Uncertain significance. Last evaluated: 2019-02-28. Review status: criteria provided, single submitter. Criteria: GeneDx Variant Classification Process June 2021. Collection method: clinical testing. Allele origin: germline. Affected: yes.
Comment: Not observed in large population cohorts (Lek et al., 2016); In silico analysis, which includes protein predictors and evolutionary conservation, supports a deleterious effect; Has not been previously published as pathogenic or benign to our knowledge